The following is an entry in ClinVar:

ClinVar aggregate classification (germline): Uncertain significance (1 of 4 stars; one submission).

Conditions:
Cardiomyopathy (CMYO). Also called: Cardiomyopathies. Identifiers: Orphanet 167848, MedGen C0878544, MONDO:0004994, HP:0001638. Inheritance: Various modes of inheritance.

Submission:

Color Diagnostics, LLC DBA Color Health
Classification: Uncertain significance for Cardiomyopathy. Last evaluated: 2021-06-22. Review status: criteria provided, single submitter. Criteria: ACMG Guidelines, 2015. Collection method: clinical testing. Allele origin: germline.
Comment: This variant changes 1 nucleotide in exon 6 of the TPM1 gene, creating a premature translation stop signal. This variant is expected to result in an absent or non-functional protein product. To our knowledge, this variant has not been reported in individuals affected with cardiovascular disorders in the literature. This variant has not been identified in the general population by the Genome Aggregation Database (gnomAD). Clinical relevance of loss-of-function truncation and splice variants in the TPM1 gene is not clearly established. The available evidence is insufficient to determine the role of this variant in disease conclusively. Therefore, this variant is classified as a Variant of Uncertain Significance.

NM_001018005.2(TPM1):c.617C>G (p.Ser206Ter)

Gene: TPM1 (tropomyosin 1; plus strand). Cytogenetic location: 15q22.2.
Variant type: single nucleotide variant.
Coding change: c.617C>G on transcript NM_001018005.2 (MANE Select); coding-DNA position 617, C replaced by G.
Protein change: p.Ser206Ter; replaces serine 206 with a stop codon.
Molecular consequence: nonsense. On other transcripts: intron variant (6).
Genome position (GRCh38, 1-based): chr15:63,061,766, C>G. VCF-style: chr15-63061766-C-G. GRCh37 (hg19) VCF-style: chr15-63353965-C-G.
Other names: c.617C>G, p.Ser206Ter (NM_001018004.2, NM_001018007.2, NM_001301244.2 and 3 more transcripts); c.509C>G, p.Ser170Ter (NM_001018008.2, NM_001301289.2, NM_001330346.2 and 2 more transcripts); c.743C>G, p.Ser248Ter (NM_001365778.1); c.640-449C>G (NM_001018020.2, NM_001018006.2, NM_000366.6); c.532-449C>G (NM_001330351.2, NM_001330344.2, NM_001365781.2); short protein forms S170*, S206*, S248*.
Identifiers: ClinVar variation 1332657 (VCV001332657.2), dbSNP rs2140964158, ClinGen allele CA392724269.